The following is an entry in ClinVar:

ClinVar aggregate classification (germline): Uncertain significance (1 of 4 stars; one submission).

Submission:

GeneDx
Classification: Uncertain significance. Last evaluated: 2024-09-16. Review status: criteria provided, single submitter. Criteria: GeneDx Variant Classification Process June 2021. Collection method: clinical testing. Allele origin: germline. Affected: yes.
Comment: Not observed at significant frequency in large population cohorts (gnomAD); In silico analysis indicates that this missense variant does not alter protein structure/function; Has not been previously published as pathogenic or benign to our knowledge

NM_018489.3(ASH1L):c.661G>T (p.Ala221Ser)

Gene: ASH1L (ASH1 like histone lysine methyltransferase; minus strand). Cytogenetic location: 1q22.
Variant type: single nucleotide variant.
Coding change: c.661G>T on transcript NM_018489.3 (MANE Select); coding-DNA position 661, G replaced by T.
Protein change: p.Ala221Ser; replaces alanine 221 with serine.
Molecular consequence: missense variant.
Genome position (GRCh38, 1-based): chr1:155,482,209, C>A on the plus strand (G>T on the coding strand, the complement: ASH1L is on the minus strand). VCF-style: chr1-155482209-C-A. GRCh37 (hg19) VCF-style: chr1-155452000-C-A.
Other names: c.661G>T, p.Ala221Ser (NM_001366177.2); short protein forms A221S.
Identifiers: ClinVar variation 3769763 (VCV003769763.1).